The following is an entry in ClinVar:

NM_001199.4(BMP1):c.2193A>C (p.Ter731Cys)

Gene: BMP1 (bone morphogenetic protein 1; plus strand). Cytogenetic location: 8p21.3.
Variant type: single nucleotide variant.
Coding change: c.2193A>C on transcript NM_001199.4 (MANE Plus Clinical); coding-DNA position 2193, A replaced by C.
Protein change: p.Ter731Cys.
Molecular consequence: stop lost. On other transcripts: non-coding transcript variant (1), intron variant (1).
Genome position (GRCh38, 1-based): chr8:22,201,203, A>C. VCF-style: chr8-22201203-A-C. GRCh37 (hg19) VCF-style: chr8-22058716-A-C.
Other names: c.2108-600A>C (NM_006129.5).
Identifiers: ClinVar variation 2090793 (VCV002090793.4), dbSNP rs2539025707, ClinGen allele CA370503596.

ClinVar aggregate classification (germline): Uncertain significance (1 of 4 stars; one submission).

Allele frequency attached by ClinVar (database versions not stated): gnomAD exomes below 0.00001.

Submission:

Labcorp Genetics (formerly Invitae), Labcorp
Classification: Uncertain significance. Last evaluated: 2023-08-30. Review status: criteria provided, single submitter. Criteria: Invitae Variant Classification Sherloc (09022015). Collection method: clinical testing. Allele origin: germline.
Comment: In summary, the available evidence is currently insufficient to determine the role of this variant in disease. Therefore, it has been classified as a Variant of Uncertain Significance. Algorithms developed to predict the effect of sequence changes on RNA splicing suggest that this variant may disrupt the consensus splice site. Experimental studies and prediction algorithms are not available or were not evaluated, and the functional significance of this variant is currently unknown. ClinVar contains an entry for this variant (Variation ID: 2090793). This variant has not been reported in the literature in individuals affected with BMP1-related conditions. This variant is not present in population databases (gnomAD no frequency). This sequence change disrupts the translational stop signal of the BMP1 mRNA. It is expected to extend the length of the BMP1 protein by 81 additional amino acid residues. The BMP1 gene has multiple clinically relevant transcripts. This variant occurs in alternate transcript NM_001199.3, and corresponds to NM_006129.4:c.2108-600A>C in the primary transcript.